The following is an entry in ClinVar:

ClinVar aggregate classification (germline): Uncertain significance. Review status: criteria provided, multiple submitters, no conflicts (2 of 4 stars). 2 submissions from 2 submitters: Uncertain significance (2). Last evaluated 2025-12-03.

Conditions:
Hereditary spastic paraplegia 73. Also called: Spastic paraplegia 73, autosomal dominant. Identifiers: Orphanet 444099, MedGen C5568981, MONDO:0014568, OMIM 616282.

Allele frequency attached by ClinVar (database versions not stated): ExAC 0.00005; gnomAD 0.00006.
gnomAD v4.1: 94 of 1,609,802 alleles (0.0058%); highest among the groups gnomAD compares: Middle Eastern, 0.016%; no homozygotes.

Submissions (2):

Labcorp Genetics (formerly Invitae), Labcorp
Classification: Uncertain significance for Hereditary spastic paraplegia 73. Last evaluated: 2025-12-03. Review status: criteria provided, single submitter. Criteria: Invitae Variant Classification Sherloc (09022015). Collection method: clinical testing. Allele origin: germline.
Comment: This sequence change replaces arginine, which is basic and polar, with glutamine, which is neutral and polar, at codon 102 of the CPT1C protein (p.Arg102Gln). This variant is present in population databases (rs781746898, gnomAD 0.009%). This variant has not been reported in the literature in individuals affected with CPT1C-related conditions. ClinVar contains an entry for this variant (Variation ID: 2744782). An algorithm developed to predict the effect of missense changes on protein structure and function outputs the following: PolyPhen-2: "Benign". The glutamine amino acid residue is found in multiple mammalian species, which suggests that this missense change does not adversely affect protein function. In summary, the available evidence is currently insufficient to determine the role of this variant in disease. Therefore, it has been classified as a Variant of Uncertain Significance.

Ambry Genetics
Classification: Uncertain significance. Last evaluated: 2023-11-06. Review status: criteria provided, single submitter. Criteria: Ambry Variant Classification Scheme 2023. Collection method: clinical testing. Allele origin: germline.

NM_001199753.2(CPT1C):c.305G>A (p.Arg102Gln)

Gene: CPT1C (carnitine palmitoyltransferase 1C; plus strand). Cytogenetic location: 19q13.33.
Variant type: single nucleotide variant.
Coding change: c.305G>A on transcript NM_001199753.2 (MANE Select); coding-DNA position 305, G replaced by A.
Protein change: p.Arg102Gln; replaces arginine 102 with glutamine.
Molecular consequence: missense variant. On other transcripts: non-coding transcript variant (1).
Genome position (GRCh38, 1-based): chr19:49,700,707, G>A. VCF-style: chr19-49700707-G-A. GRCh37 (hg19) VCF-style: chr19-50203964-G-A.
Other names: c.305G>A, p.Arg102Gln (NM_001136052.3, NM_001199752.3, NM_001378482.1 and 7 more transcripts); c.305G>A (NM_001199752.1); short protein forms R102Q.
Identifiers: ClinVar variation 2744782 (VCV002744782.4), dbSNP rs781746898, ClinGen allele CA9581754.